The following is an entry in ClinVar:

ClinVar aggregate classification (germline): Uncertain significance. Review status: criteria provided, multiple submitters, no conflicts (2 of 4 stars). 3 submissions from 3 submitters: Uncertain significance (3). Last evaluated 2026-07-02.

Conditions:
SEMA3E-related disorder. Also called: SEMA3E-related condition.
CHARGE syndrome (CHARGE). Also called: Hittner Hirsch Kreh syndrome; CHARGE ASSOCIATION--COLOBOMA, HEART ANOMALY, CHOANAL ATRESIA, RETARDATION, GENITAL AND EAR ANOMALIES; Coloboma, heart anomaly, choanal atresia, retardation, genital and ear anomalies; CHARGE association; Hall-Hittner syndrome. Identifiers: Orphanet 138, MedGen C0265354, MONDO:0008965.

gnomAD v4.1: 26 of 1,613,298 alleles (0.0016%); highest among the groups gnomAD compares: South Asian, 0.024%; no homozygotes.

Submissions (3):

PreventionGenetics, part of Exact Sciences
Classification: Uncertain significance for SEMA3E-related condition. Last evaluated: 2026-07-02. Review status: criteria provided, single submitter. Criteria: ACMG Guidelines, 2015. Collection method: clinical testing. Allele origin: germline.
Comment: The SEMA3E c.707A>G variant is predicted to result in the amino acid substitution p.Asn236Ser. To our knowledge, this variant has not been reported in the literature. This variant is reported in 0.023% of alleles in individuals of South Asian descent in gnomAD. At this time, the clinical significance of this variant is uncertain due to the absence of conclusive functional and genetic evidence.

Labcorp Genetics (formerly Invitae), Labcorp
Classification: Uncertain significance for CHARGE syndrome. Last evaluated: 2023-11-28. Review status: criteria provided, single submitter. Criteria: Invitae Variant Classification Sherloc (09022015). Collection method: clinical testing. Allele origin: germline.
Comment: This sequence change replaces asparagine, which is neutral and polar, with serine, which is neutral and polar, at codon 236 of the SEMA3E protein (p.Asn236Ser). This variant is present in population databases (rs774036972, gnomAD 0.02%). This variant has not been reported in the literature in individuals affected with SEMA3E-related conditions. ClinVar contains an entry for this variant (Variation ID: 2226237). Advanced modeling of protein sequence and biophysical properties (such as structural, functional, and spatial information, amino acid conservation, physicochemical variation, residue mobility, and thermodynamic stability) performed at Invitae indicates that this missense variant is not expected to disrupt SEMA3E protein function with a negative predictive value of 80%. In summary, the available evidence is currently insufficient to determine the role of this variant in disease. Therefore, it has been classified as a Variant of Uncertain Significance.

Ambry Genetics
Classification: Uncertain significance. Last evaluated: 2021-07-14. Review status: criteria provided, single submitter. Criteria: Ambry Variant Classification Scheme 2023. Collection method: clinical testing. Allele origin: germline.

NM_012431.3(SEMA3E):c.707A>G (p.Asn236Ser)

Gene: SEMA3E (semaphorin 3E; minus strand). Cytogenetic location: 7q21.11.
Variant type: single nucleotide variant.
Coding change: c.707A>G on transcript NM_012431.3 (MANE Select); coding-DNA position 707, A replaced by G.
Protein change: p.Asn236Ser; replaces asparagine 236 with serine.
Molecular consequence: missense variant.
Genome position (GRCh38, 1-based): chr7:83,407,203, T>C on the plus strand (A>G on the coding strand, the complement: SEMA3E is on the minus strand). VCF-style: chr7-83407203-T-C. GRCh37 (hg19) VCF-style: chr7-83036519-T-C.
Other names: c.527A>G, p.Asn176Ser (NM_001178129.2); short protein forms N236S, N176S.
Identifiers: ClinVar variation 2226237 (VCV002226237.6), dbSNP rs774036972, ClinGen allele CA4322234.